The following is an entry in ClinVar:

ClinVar aggregate classification (germline): Pathogenic (1 of 4 stars; one submission).

Submission:

Labcorp Genetics (formerly Invitae), Labcorp
Classification: Pathogenic. Last evaluated: 2023-12-11. Review status: criteria provided, single submitter. Criteria: Invitae Variant Classification Sherloc (09022015). Collection method: clinical testing. Allele origin: germline.
Comment: A gross deletion of the genomic region encompassing the full coding sequence of the RLBP1 gene has been identified. Loss-of-function variants in RLBP1 are known to be pathogenic (PMID: 2392416, 11301032, 21447491, 25429852). The boundaries of this event are unknown as they extend beyond the assayed region for this gene and therefore may encompass additional genes. This variant has not been reported in the literature in individuals affected with RLBP1-related conditions. For these reasons, this variant has been classified as Pathogenic.

Literature cited by the submitters: PubMed 2392416; PubMed 11301032; PubMed 21447491; PubMed 25429852.

NC_000015.9:g.(?_89753516)_(89838345_?)del

Genes: FANCI (FA complementation group I; plus strand), RLBP1 (retinaldehyde binding protein 1; minus strand). Cytogenetic location: 15q26.1.
Variant type: Deletion.
Identifiers: ClinVar variation 1457441 (VCV001457441.4).